The following is an entry in ClinVar:

NM_001145809.2(MYH14):c.3356A>G (p.Asp1119Gly)

Gene: MYH14 (myosin heavy chain 14; plus strand). Cytogenetic location: 19q13.33.
Variant type: single nucleotide variant.
Coding change: c.3356A>G on transcript NM_001145809.2 (MANE Select); coding-DNA position 3356, A replaced by G.
Protein change: p.Asp1119Gly; replaces aspartic acid 1119 with glycine.
Molecular consequence: missense variant.
Genome position (GRCh38, 1-based): chr19:50,272,620, A>G. VCF-style: chr19-50272620-A-G. GRCh37 (hg19) VCF-style: chr19-50775877-A-G.
Other names: c.3257A>G, p.Asp1086Gly (NM_001077186.2); c.3233A>G, p.Asp1078Gly (NM_024729.4); short protein forms D1078G, D1086G, D1119G.
Identifiers: ClinVar variation 1922097 (VCV001922097.5), dbSNP rs752636745, ClinGen allele CA9593201.
Genomic context (GRCh38, chr19:50,272,620, plus strand): 5'-ACCGCCTACGGAAGGAGGAGAAGGGTCGCCAGGAGCTGGAGAAGCTGAAGCGGAGGCTGG[A>G]TGGGGAGAGCTCAGAGCTGCAGGAGCAGATGGTGGAGCAGCAACAGCGGGCAGAGGAGCT-3'
Protein context (NP_001139281.1, residues 1109-1129): QELEKLKRRL[Asp1119Gly]GESSELQEQM

ClinVar aggregate classification (germline): Uncertain significance (1 of 4 stars; one submission).

Allele frequency attached by ClinVar (database versions not stated): gnomAD 0.00004; TOPMed 0.00006; ExAC 0.00007.
gnomAD v4.1: 11 of 1,579,090 alleles (0.0007%); highest among the groups gnomAD compares: African/African-American, 0.013%; no homozygotes.

Submission:

Labcorp Genetics (formerly Invitae), Labcorp
Classification: Uncertain significance. Last evaluated: 2022-06-23. Review status: criteria provided, single submitter. Criteria: Invitae Variant Classification Sherloc (09022015). Collection method: clinical testing. Allele origin: germline.
Comment: In summary, the available evidence is currently insufficient to determine the role of this variant in disease. Therefore, it has been classified as a Variant of Uncertain Significance. Algorithms developed to predict the effect of missense changes on protein structure and function are either unavailable or do not agree on the potential impact of this missense change (SIFT: "Deleterious"; PolyPhen-2: "Benign"; Align-GVGD: "Class C65"). This variant has not been reported in the literature in individuals affected with MYH14-related conditions. The frequency data for this variant in the population databases is considered unreliable, as metrics indicate poor data quality at this position in the gnomAD database. This sequence change replaces aspartic acid, which is acidic and polar, with glycine, which is neutral and non-polar, at codon 1078 of the MYH14 protein (p.Asp1078Gly).